The following is an entry in ClinVar:

ClinVar aggregate classification (germline): Uncertain significance (1 of 4 stars; one submission).

Conditions:
Cardiovascular phenotype. Identifiers: MedGen CN230736.

Allele frequency attached by ClinVar (database versions not stated): gnomAD exomes below 0.00001.
gnomAD v4.1: 3 of 1,593,058 alleles (0.00019%); highest among the groups gnomAD compares: African/African-American, 0.0027%; no homozygotes.

Submission:

Ambry Genetics
Classification: Uncertain significance for Cardiovascular phenotype. Last evaluated: 2021-10-12. Review status: criteria provided, single submitter. Criteria: Ambry Variant Classification Scheme 2023. Collection method: clinical testing. Allele origin: germline.
Comment: The p.K2194Q variant (also known as c.6580A>C), located in coding exon 18 of the TNXB gene, results from an A to C substitution at nucleotide position 6580. The lysine at codon 2194 is replaced by glutamine, an amino acid with similar properties. This amino acid position is conserved. In addition, this alteration is predicted to be tolerated by in silico analysis. Since supporting evidence is limited at this time, the clinical significance of this alteration remains unclear.

NM_001365276.2(TNXB):c.6580A>C (p.Lys2194Gln)

Gene: TNXB (tenascin XB; minus strand). Cytogenetic location: 6p21.33.
Variant type: single nucleotide variant.
Coding change: c.6580A>C on transcript NM_001365276.2 (MANE Select); coding-DNA position 6580, A replaced by C.
Protein change: p.Lys2194Gln; replaces lysine 2194 with glutamine.
Molecular consequence: missense variant.
Genome position (GRCh38, 1-based): chr6:32,065,082, T>G on the plus strand (A>C on the coding strand, the complement: TNXB is on the minus strand). VCF-style: chr6-32065082-T-G. GRCh37 (hg19) VCF-style: chr6-32032859-T-G.
Other names: c.6580A>C, p.Lys2194Gln (NM_019105.8); short protein forms K2194Q.
Identifiers: ClinVar variation 1754312 (VCV001754312.2), dbSNP rs553387411, ClinGen allele CA136884239.